The following is an entry in ClinVar:

NM_004304.5(ALK):c.-5G>A

Gene: ALK (ALK receptor tyrosine kinase; minus strand). Cytogenetic location: 2p23.1.
Variant type: single nucleotide variant.
Coding change: c.-5G>A on transcript NM_004304.5 (MANE Select); 5 bases upstream of the start codon, G replaced by A.
Molecular consequence: 5 prime UTR variant.
Genome position (GRCh38, 1-based): chr2:29,920,664, C>T on the plus strand (G>A on the coding strand, the complement: ALK is on the minus strand). VCF-style: chr2-29920664-C-T. GRCh37 (hg19) VCF-style: chr2-30143530-C-T.
Identifiers: ClinVar variation 335719 (VCV000335719.25), dbSNP rs56270786, ClinGen allele CA1595079.

ClinVar aggregate classification (germline): Benign/Likely benign. Review status: criteria provided, multiple submitters, no conflicts (2 of 4 stars). 10 submissions from 10 submitters: Benign (6); Likely benign (3). 1 of the submissions does not count toward it. Last evaluated 2025-03-27.

Conditions:
Hereditary cancer-predisposing syndrome. Also called: Neoplastic Syndromes, Hereditary; Tumor predisposition; Hereditary Cancer Syndrome; Hereditary neoplastic syndrome. Identifiers: Orphanet 140162, MedGen C0027672, MeSH D009386, MONDO:0015356.
ALK-related disorder. Also called: ALK-related condition.
Neuroblastoma, susceptibility to, 3. Also called: ALK-Related Neuroblastic Tumor Susceptibility. Identifiers: Orphanet 635, MedGen C2751681, MONDO:0013083, OMIM 613014.

Allele frequency attached by ClinVar (database versions not stated): 1000 Genomes Project 0.00619; 1000 Genomes Project 30x 0.00671; ExAC 0.00745; ESP Exome Variant Server 0.00969; gnomAD 0.01215 and 0.01336; gnomAD exomes 0.01222 and 0.01801; TOPMed 0.01397.
gnomAD v4.1: 26,630 of 1,534,458 alleles (1.7%); highest among the groups gnomAD compares: Non-Finnish European, 2.1%; 267 homozygotes.

Submissions (10):

ARUP Laboratories, Molecular Genetics and Genomics, ARUP Laboratories
Classification: Benign for Neuroblastoma, susceptibility to, 3. Last evaluated: 2025-03-27. Review status: criteria provided, single submitter. Criteria: ARUP Molecular Germline Variant Investigation Process 2024. Collection method: clinical testing. Allele origin: germline.

Blueprint Genetics
Classification: Likely benign. Last evaluated: 2024-11-25. Review status: criteria provided, single submitter. Criteria: ACMG Guidelines, 2015. Collection method: clinical testing. Allele origin: germline.

Mayo Clinic Laboratories, Mayo Clinic
Classification: Benign. Last evaluated: 2023-12-20. Review status: criteria provided, single submitter. Criteria: ACMG Guidelines, 2015. Collection method: clinical testing. Allele origin: germline. Observed: 11 variant alleles.
Comment: BS1, BS2, BP4, BP7

KCCC/NGS Laboratory, Kuwait Cancer Control Center
Classification: Benign for Neuroblastoma, susceptibility to, 3. Last evaluated: 2023-07-07. Review status: criteria provided, single submitter. Criteria: ACMG Guidelines, 2015. Collection method: clinical testing. Allele origin: germline. Affected: yes.

GeneDx
Classification: Benign. Last evaluated: 2018-07-09. Review status: criteria provided, single submitter. Criteria: GeneDx Variant Classification Process June 2021. Collection method: clinical testing. Allele origin: germline. Affected: yes.

Illumina Laboratory Services, Illumina
Classification: Likely benign for Neuroblastoma, susceptibility to, 3. Last evaluated: 2018-01-13. Review status: criteria provided, single submitter. Criteria: ICSL Variant Classification Criteria 13 December 2019. Collection method: clinical testing. Allele origin: germline.
Comment: This variant was observed in the ICSL laboratory as part of a predisposition screen in an ostensibly healthy population. It had not been previously curated by ICSL or reported in the Human Gene Mutation Database (HGMD: prior to June 1st, 2018), and was therefore a candidate for classification through an automated scoring system. Utilizing variant allele frequency, disease prevalence and penetrance estimates, and inheritance mode, an automated score was calculated to assess if this variant is too frequent to cause the disease. Based on the score and internal cut-off values, a variant classified as likely benign is not then subjected to further curation. The score for this variant resulted in a classification of likely benign for this disease.

Ambry Genetics
Classification: Benign for Hereditary cancer-predisposing syndrome. Last evaluated: 2016-11-17. Review status: criteria provided, single submitter. Criteria: Ambry Variant Classification Scheme 2023. Collection method: clinical testing. Allele origin: germline.

Women's Health and Genetics/Laboratory Corporation of America, LabCorp
Classification: Benign. Last evaluated: 2016-08-24. Review status: criteria provided, single submitter. Criteria: LabCorp Variant Classification Summary - May 2015. Collection method: clinical testing. Allele origin: germline.
Comment: Variant summary: The ALK c.-5G>A variant is a 5 UTR variant that involves the alteration of a non-conserved nucleotide in non-coding exon 1. This variant was found in 90/12078 control chromosomes (1 homozygote) at a frequency of 0.0074516, which is approximately 17884 times the estimated maximal expected allele frequency of a pathogenic ALK variant (0.0000004), suggesting this variant is likely a benign polymorphism. The variant of interest has not, to our knowledge, been reported in affected individuals via publications. Taken together, this variant is classified as Benign.

Breakthrough Genomics
Classification: Likely benign. Review status: criteria provided, single submitter. Criteria: ACMG Guidelines, 2015. Collection method: not provided. Allele origin: germline. Inheritance: Unknown mechanism. Affected: yes.

PreventionGenetics, part of Exact Sciences
Classification: Benign for ALK-related condition. Last evaluated: 2019-09-13. Review status: no assertion criteria provided. Collection method: clinical testing. Allele origin: germline. Not counted in ClinVar's aggregate classification.
Comment: This variant is classified as benign based on ACMG/AMP sequence variant interpretation guidelines (Richards et al. 2015 PMID: 25741868, with internal and published modifications).